The following is an entry in ClinVar:

ClinVar aggregate classification (germline): Uncertain significance (1 of 4 stars; one submission).

Conditions:
Gorlin syndrome. Also called: Nevoid Basal Cell Carcinoma Syndrome; Basal cell nevus syndrome. Identifiers: Orphanet 377, MedGen C0004779, MONDO:0007187.

Submission:

Labcorp Genetics (formerly Invitae), Labcorp
Classification: Uncertain significance for Gorlin syndrome. Last evaluated: 2024-06-02. Review status: criteria provided, single submitter. Criteria: Invitae Variant Classification Sherloc (09022015). Collection method: clinical testing. Allele origin: germline.
Comment: This sequence change falls in intron 9 of the PTCH1 gene. It does not directly change the encoded amino acid sequence of the PTCH1 protein. It affects a nucleotide within the consensus splice site. This variant is not present in population databases (gnomAD no frequency). This variant has not been reported in the literature in individuals affected with PTCH1-related conditions. Variants that disrupt the consensus splice site are a relatively common cause of aberrant splicing (PMID: 17576681, 9536098). Algorithms developed to predict the effect of sequence changes on RNA splicing suggest that this variant is not likely to affect RNA splicing. In summary, the available evidence is currently insufficient to determine the role of this variant in disease. Therefore, it has been classified as a Variant of Uncertain Significance.

Literature cited by the submitters: PubMed 17576681; PubMed 9536098.

NM_000264.5(PTCH1):c.1347+5C>G

Gene: PTCH1 (patched 1; minus strand). Cytogenetic location: 9q22.32.
Variant type: single nucleotide variant.
Coding change: c.1347+5C>G on transcript NM_000264.5 (MANE Select); 5 bases into the intron after coding-DNA position 1347, C replaced by G.
Molecular consequence: intron variant.
Genome position (GRCh38, 1-based): chr9:95,478,050, G>C on the plus strand (C>G on the coding strand, the complement: PTCH1 is on the minus strand). VCF-style: chr9-95478050-G-C. GRCh37 (hg19) VCF-style: chr9-98240332-G-C.
Other names: c.1344+5C>G (NM_001083603.3); c.1149+5C>G (NM_001083602.3); c.1347+5C>G (NM_001354918.2); c.894+5C>G (NM_001083605.3, NM_001083604.3, NM_001083606.3 and 1 more transcripts).
Identifiers: ClinVar variation 3655269 (VCV003655269.2).
Genomic context (GRCh38, chr9:95,478,050, plus strand): 5'-GAAAAGTAAAGACTAAAACAACCAAACCAAACTCCAGCCCCCAGGAGCATGGCATCGAGC[G>C]TTACCATGAGTAAGTAGCCGCTGGCCACGCGGATGACACTGACGTCAGAGAAGGATTTCA-3'